The following is an entry in ClinVar:

NM_000540.3(RYR1):c.746G>A (p.Gly249Glu)

Gene: RYR1 (ryanodine receptor 1; plus strand). Cytogenetic location: 19q13.2.
Variant type: single nucleotide variant.
Coding change: c.746G>A on transcript NM_000540.3 (MANE Select); coding-DNA position 746, G replaced by A.
Protein change: p.Gly249Glu; replaces glycine 249 with glutamic acid.
Molecular consequence: missense variant.
Genome position (GRCh38, 1-based): chr19:38,446,714, G>A. VCF-style: chr19-38446714-G-A. GRCh37 (hg19) VCF-style: chr19-38937354-G-A.
Other names: c.746G>A, p.Gly249Glu (NM_001042723.2); short protein forms G249E.
Identifiers: ClinVar variation 3073862 (VCV003073862.2), dbSNP rs2513987834, ClinGen allele CA405680225.

ClinVar aggregate classification (germline): Uncertain significance. Review status: criteria provided, multiple submitters, no conflicts (2 of 4 stars). 2 submissions from 2 submitters: Uncertain significance (2). Last evaluated 2025-05-21.

Conditions:
Malignant hyperthermia, susceptibility to, 1 (MHS1). Also called: Anesthesia related hyperthermia; Malignant hyperpyrexia; Fulminating hyperpyrexia; Pharmacogenic myopathy; RYR1-Related Malignant Hyperthermia Susceptibility; Malignant hyperthermia suceptibility 1. Identifiers: Orphanet 423, MedGen C2930980, MONDO:0007783, OMIM 145600.

Submissions (2):

Color Diagnostics, LLC DBA Color Health
Classification: Uncertain significance for Malignant hyperthermia, susceptibility to, 1. Last evaluated: 2025-05-21. Review status: criteria provided, single submitter. Criteria: ACMG Guidelines, 2015. Collection method: clinical testing. Allele origin: germline.
Comment: This missense variant replaces glycine with glutamic acid at codon 249 of the RYR1 protein. Computational prediction suggests that this variant may have deleterious impact on protein structure and function. To our knowledge, functional studies have not been reported for this variant. This variant has not been reported in individuals affected with RYR1-related disorders in the literature. This variant has not been identified in the general population by the Genome Aggregation Database (gnomAD). The available evidence is insufficient to determine the role of this variant in disease conclusively. Therefore, this variant is classified as a Variant of Uncertain Significance.

All of Us Research Program, National Institutes of Health
Classification: Uncertain significance for Malignant hyperthermia, susceptibility to, 1. Last evaluated: 2023-11-30. Review status: criteria provided, single submitter. Criteria: ACMG Guidelines, 2015. Collection method: clinical testing. Allele origin: germline. Inheritance: Autosomal dominant inheritance. Observed: 1 variant allele, 1 heterozygote.
Comment: This study involves interpretation of variants in research participants for the purpose of population health screening. Participant phenotype was not available at the time of variant classification. Additional details can be found in publication PMID: 35346344, PMCID: PMC8962531